The following is an entry in ClinVar:

ClinVar aggregate classification (germline): Uncertain significance (1 of 4 stars; one submission).

Conditions:
Hereditary cancer-predisposing syndrome. Also called: Hereditary Cancer Syndrome; Hereditary neoplastic syndrome; Neoplastic Syndromes, Hereditary; Tumor predisposition. Identifiers: Orphanet 140162, MedGen C0027672, MeSH D009386, MONDO:0015356.

Submission:

Ambry Genetics
Classification: Uncertain significance for Hereditary cancer-predisposing syndrome. Last evaluated: 2022-08-29. Review status: criteria provided, single submitter. Criteria: Ambry Variant Classification Scheme 2023. Collection method: clinical testing. Allele origin: germline.
Comment: The c.1552_1563del12 variant (also known as p.Y518_H521del) is located in coding exon 5 of the AXIN2 gene. This variant results from an in-frame deletion of 12 nucleotides at nucleotide positions 1552 to 1563. This results in the in-frame deletion of 4 amino acids (YIHH) at codons 518 to 521. The deleted amino acid positions are highly conserved in available vertebrate species. Since supporting evidence is limited at this time, the clinical significance of this alteration remains unclear.

NM_004655.4(AXIN2):c.1552_1563del (p.Tyr518_His521del)

Gene: AXIN2 (axin 2; minus strand). Cytogenetic location: 17q24.1.
Variant type: Deletion.
Coding change: c.1552_1563del on transcript NM_004655.4 (MANE Select); coding-DNA positions 1552 to 1563, 12 bases deleted (TACATCCACCAC).
Protein change: p.Tyr518_His521del.
Molecular consequence: inframe deletion. On other transcripts: inframe indel (1).
Genome position (GRCh38, 1-based): chr17:65,537,473-65,537,484, GTGGTGGATGTA deleted on the plus strand (TACATCCACCAC on the coding strand, the reverse complement: AXIN2 is on the minus strand); deleting any 12 consecutive bases within chr17:65,537,473-65,537,491 gives the same sequence; the c. name uses the placement nearest the transcript's 3' end. VCF-style (leftmost placement, unchanged base first): chr17-65537472-GGTGGTGGATGTA-G. GRCh37 (hg19) VCF-style: chr17-63533590-GGTGGTGGATGTA-G.
Other names: c.1552_1563del12 (NM_004655.3); c.1552_1563del, p.Tyr518_His521del (NM_001363813.1).
Identifiers: ClinVar variation 1775076 (VCV001775076.2), dbSNP rs2509413093, ClinGen allele CA2580094721.